The following is an entry in ClinVar:

NM_002661.5(PLCG2):c.2918A>C (p.Asp973Ala)

Gene: PLCG2 (phospholipase C gamma 2; plus strand). Cytogenetic location: 16q23.3.
Variant type: single nucleotide variant.
Coding change: c.2918A>C on transcript NM_002661.5 (MANE Select); coding-DNA position 2918, A replaced by C.
Protein change: p.Asp973Ala; replaces aspartic acid 973 with alanine.
Molecular consequence: missense variant.
Genome position (GRCh38, 1-based): chr16:81,936,244, A>C. VCF-style: chr16-81936244-A-C. GRCh37 (hg19) VCF-style: chr16-81969849-A-C.
Other names: c.2918A>C, p.Asp973Ala (NM_001425749.1, NM_001425750.1, NM_001425751.1); short protein forms D973A.
Identifiers: ClinVar variation 4705390 (VCV004705390.1).

ClinVar aggregate classification (germline): Uncertain significance (1 of 4 stars; one submission).

Conditions:
Familial cold autoinflammatory syndrome 3 (FCAS3). Also called: FAMILIAL ATYPICAL COLD URTICARIA; ANTIBODY DEFICIENCY AND IMMUNE DYSREGULATION, PLCG2-ASSOCIATED. Identifiers: Orphanet 300359, MedGen C3280914, MONDO:0013766, OMIM 614468.

gnomAD v4.1: 2 of 1,613,702 alleles (0.00012%); highest among the groups gnomAD compares: Non-Finnish European, 0.00017%; no homozygotes.

Submission:

Labcorp Genetics (formerly Invitae), Labcorp
Classification: Uncertain significance for Familial cold autoinflammatory syndrome 3. Last evaluated: 2025-03-20. Review status: criteria provided, single submitter. Criteria: Invitae Variant Classification Sherloc (09022015). Collection method: clinical testing. Allele origin: germline.
Comment: This sequence change replaces aspartic acid, which is acidic and polar, with alanine, which is neutral and non-polar, at codon 973 of the PLCG2 protein (p.Asp973Ala). This variant is present in population databases (rs762156095, gnomAD 0.0009%). This variant has not been reported in the literature in individuals affected with PLCG2-related conditions. An algorithm developed to predict the effect of missense changes on protein structure and function (PolyPhen-2) suggests that this variant is likely to be tolerated. In summary, the available evidence is currently insufficient to determine the role of this variant in disease. Therefore, it has been classified as a Variant of Uncertain Significance.